The following is an entry in ClinVar:

NM_000062.3(SERPING1):c.716C>A (p.Ala239Asp)

Gene: SERPING1 (serpin family G member 1; plus strand). Cytogenetic location: 11q12.1.
Variant type: single nucleotide variant.
Coding change: c.716C>A on transcript NM_000062.3 (MANE Select); coding-DNA position 716, C replaced by A.
Protein change: p.Ala239Asp; replaces alanine 239 with aspartic acid.
Molecular consequence: missense variant.
Genome position (GRCh38, 1-based): chr11:57,606,040, C>A. VCF-style: chr11-57606040-C-A. GRCh37 (hg19) VCF-style: chr11-57373513-C-A.
Other names: c.716C>A, p.Ala239Asp (NM_001032295.2); short protein forms A239D.
Identifiers: ClinVar variation 3625614 (VCV003625614.2).
Genomic context (GRCh38, chr11:57,606,040, plus strand): 5'-TCATGCCTCCCTTTCTCAACATACCCCCAGACCTGGCCATAAGGGACACCTTTGTGAATG[C>A]CTCTCGGACCCTGTACAGCAGCAGCCCCAGAGTCCTAAGCAACAACAGTGACGCCAACTT-3'
Protein context (NP_000053.2, residues 229-249): DLAIRDTFVN[Ala239Asp]SRTLYSSSPR

ClinVar aggregate classification (germline): Uncertain significance (1 of 4 stars; one submission).

gnomAD v4.1: 7 of 1,614,156 alleles (0.00043%); highest among the groups gnomAD compares: East Asian, 0.013%; no homozygotes.

Submission:

Labcorp Genetics (formerly Invitae), Labcorp
Classification: Uncertain significance. Last evaluated: 2024-12-31. Review status: criteria provided, single submitter. Criteria: Invitae Variant Classification Sherloc (09022015). Collection method: clinical testing. Allele origin: germline.
Comment: This sequence change replaces alanine, which is neutral and non-polar, with aspartic acid, which is acidic and polar, at codon 239 of the SERPING1 protein (p.Ala239Asp). This variant is present in population databases (rs536418257, gnomAD 0.02%). This variant has not been reported in the literature in individuals affected with SERPING1-related conditions. Invitae Evidence Modeling of protein sequence and biophysical properties (such as structural, functional, and spatial information, amino acid conservation, physicochemical variation, residue mobility, and thermodynamic stability) has been performed for this missense variant. However, the output from this modeling did not meet the statistical confidence thresholds required to predict the impact of this variant on SERPING1 protein function. In summary, the available evidence is currently insufficient to determine the role of this variant in disease. Therefore, it has been classified as a Variant of Uncertain Significance.